The following is an entry in ClinVar:

NM_000302.4(PLOD1):c.804C>T (p.Thr268=)

Gene: PLOD1 (procollagen-lysine,2-oxoglutarate 5-dioxygenase 1; plus strand). Cytogenetic location: 1p36.22.
Variant type: single nucleotide variant.
Coding change: c.804C>T on transcript NM_000302.4 (MANE Select); coding-DNA position 804, C replaced by T.
Protein change: p.Thr268=; no amino-acid change (threonine 268 retained).
Molecular consequence: synonymous variant.
Genome position (GRCh38, 1-based): chr1:11,957,904, C>T. VCF-style: chr1-11957904-C-T. GRCh37 (hg19) VCF-style: chr1-12017961-C-T.
Other names: p.Thr268=; c.945C>T, p.Thr315= (NM_001316320.2).
Identifiers: ClinVar variation 264284 (VCV000264284.101), dbSNP rs140758113, ClinGen allele CA598144.

ClinVar aggregate classification (germline): Conflicting classifications of pathogenicity. Review status: criteria provided, conflicting classifications (1 of 4 stars). 12 submissions from 12 submitters: Uncertain significance (1); Likely benign (8). 3 of the submissions do not count toward it. Last evaluated 2026-08-01.

Conditions:
PLOD1-related disorder. Also called: PLOD1-related condition.
Familial thoracic aortic aneurysm and aortic dissection (TAAD). Also called: Thoracic aortic aneurysms and dissections. Identifiers: Orphanet 91387, MedGen C4707243, MONDO:0019625.
Ehlers-Danlos syndrome, kyphoscoliotic type 1 (EDSKSCL1). Also called: EHLERS-DANLOS SYNDROME, TYPE VIA; Ehlers-Danlos syndrome, hydroxylysine-deficient; EHLERS-DANLOS SYNDROME, OCULAR-SCOLIOTIC TYPE; PLOD1-Related Kyphoscoliotic Ehlers-Danlos Syndrome. Identifiers: Orphanet 1900, MedGen C0268342, MONDO:0016002, OMIM 225400. Disease mechanism: loss of function.

Allele frequency attached by ClinVar (database versions not stated): 1000 Genomes Project 30x 0.00016; 1000 Genomes Project 0.00020; TOPMed 0.00057; ExAC 0.00060; gnomAD 0.00061 and 0.00064; gnomAD exomes 0.00061; ESP Exome Variant Server 0.00077.
gnomAD v4.1: 1,421 of 1,613,984 alleles (0.088%); highest among the groups gnomAD compares: Non-Finnish European, 0.11%; no homozygotes.

Submissions (12):

CeGaT Center for Human Genetics Tuebingen
Classification: Likely benign. Last evaluated: 2026-08-01. Review status: criteria provided, single submitter. Criteria: CeGaT Center For Human Genetics Tuebingen Variant Classification Criteria Version 2. Collection method: clinical testing. Allele origin: germline. Affected: yes. Observed: 9 variant alleles.
Comment: PLOD1: BP4, BP7

Labcorp Genetics (formerly Invitae), Labcorp
Classification: Likely benign for Ehlers-Danlos syndrome, kyphoscoliotic type 1. Last evaluated: 2026-02-01. Review status: criteria provided, single submitter. Criteria: Invitae Variant Classification Sherloc (09022015). Collection method: clinical testing. Allele origin: germline.

ARUP Laboratories, Molecular Genetics and Genomics, ARUP Laboratories
Classification: Likely benign for Ehlers-Danlos syndrome, kyphoscoliotic type 1. Last evaluated: 2025-07-22. Review status: criteria provided, single submitter. Criteria: ARUP Molecular Germline Variant Investigation Process 2024. Collection method: clinical testing. Allele origin: germline.

Mayo Clinic Laboratories, Mayo Clinic
Classification: Likely benign. Last evaluated: 2025-01-20. Review status: criteria provided, single submitter. Criteria: ACMG Guidelines, 2015. Collection method: clinical testing. Allele origin: germline. Observed: 7 variant alleles.
Comment: BS1, BP4, BP7

Blueprint Genetics
Classification: Likely benign. Last evaluated: 2024-11-26. Review status: criteria provided, single submitter. Criteria: ACMG Guidelines, 2015. Collection method: clinical testing. Allele origin: germline.

Women's Health and Genetics/Laboratory Corporation of America, LabCorp
Classification: Likely benign. Last evaluated: 2024-09-22. Review status: criteria provided, single submitter. Criteria: LabCorp Variant Classification Summary - May 2015. Collection method: clinical testing. Allele origin: germline.

GeneDx
Classification: Likely benign. Last evaluated: 2020-10-14. Review status: criteria provided, single submitter. Criteria: GeneDx Variant Classification Process June 2021. Collection method: clinical testing. Allele origin: germline. Affected: yes.

Illumina Laboratory Services, Illumina
Classification: Uncertain significance for Ehlers-Danlos syndrome, kyphoscoliotic type 1. Last evaluated: 2018-01-12. Review status: criteria provided, single submitter. Criteria: ICSL Variant Classification Criteria 13 December 2019. Collection method: clinical testing. Allele origin: germline.

Ambry Genetics
Classification: Likely benign for Familial thoracic aortic aneurysm and aortic dissection. Last evaluated: 2015-08-30. Review status: criteria provided, single submitter. Criteria: Ambry Variant Classification Scheme 2023. Collection method: clinical testing. Allele origin: germline.

PreventionGenetics, part of Exact Sciences
Classification: Likely benign for PLOD1-related condition. Last evaluated: 2019-08-13. Review status: no assertion criteria provided. Collection method: clinical testing. Allele origin: germline. Not counted in ClinVar's aggregate classification.
Comment: This variant is classified as likely benign based on ACMG/AMP sequence variant interpretation guidelines (Richards et al. 2015 PMID: 25741868, with internal and published modifications).

Clinical Genetics DNA and cytogenetics Diagnostics Lab, Erasmus MC, Erasmus Medical Center
Classification: Likely benign. Review status: no assertion criteria provided. Collection method: clinical testing. Allele origin: germline. Affected: yes. Study: VKGL Data-share Consensus. Not counted in ClinVar's aggregate classification.

Genome Diagnostics Laboratory, Amsterdam University Medical Center
Classification: Likely benign. Review status: no assertion criteria provided. Collection method: clinical testing. Allele origin: germline. Affected: yes. Study: VKGL Data-share Consensus. Not counted in ClinVar's aggregate classification.